The following is an entry in ClinVar:

NM_004415.4(DSP):c.716A>G (p.Lys239Arg)

Gene: DSP (desmoplakin; plus strand). Cytogenetic location: 6p24.3.
Variant type: single nucleotide variant.
Coding change: c.716A>G on transcript NM_004415.4 (MANE Select); coding-DNA position 716, A replaced by G.
Protein change: p.Lys239Arg; replaces lysine 239 with arginine.
Molecular consequence: missense variant.
Genome position (GRCh38, 1-based): chr6:7,562,770, A>G. VCF-style: chr6-7562770-A-G. GRCh37 (hg19) VCF-style: chr6-7563003-A-G.
Other names: c.716A>G, p.Lys239Arg (NM_001008844.3, NM_001319034.2, NM_001406591.1); short protein forms K239R.
Identifiers: ClinVar variation 1989585 (VCV001989585.5), dbSNP rs940238260, ClinGen allele CA133953313.
Genomic context (GRCh38, chr6:7,562,770, plus strand): 5'-ACAGCCACCGGGGCATCCACAACTCCATCGGCGACTATCGCTGGCAGCTGGACAAAATCA[A>G]AGCCGACCTGGTACTTGTCTGTGTTTCATTTTAGAGTCTTCAAAATATCTACCGAAGGAT-3'
Protein context (NP_004406.2, residues 229-249): GDYRWQLDKI[Lys239Arg]ADLREKSAIY

ClinVar aggregate classification (germline): Uncertain significance. Review status: criteria provided, multiple submitters, no conflicts (2 of 4 stars). 2 submissions from 2 submitters: Uncertain significance (2). Last evaluated 2024-08-19.

Conditions:
Arrhythmogenic right ventricular dysplasia 8 (ARVD8). Also called: ARRHYTHMOGENIC RIGHT VENTRICULAR DYSPLASIA, FAMILIAL, 8; Arrhythmogenic Right Ventricular Dysplasia/Cardiomyopathy 8; ARRHYTHMOGENIC RIGHT VENTRICULAR CARDIOMYOPATHY 8. Identifiers: MedGen C1843896, MONDO:0011831, OMIM 607450.
Arrhythmogenic cardiomyopathy with wooly hair and keratoderma. Also called: PALMOPLANTAR KERATODERMA WITH LEFT VENTRICULAR CARDIOMYOPATHY AND WOOLLY HAIR; Carvajal syndrome; Arrhythmogenic cardiomyopathy with woolly hair and keratoderma; Dilated cardiomyopathy with woolly hair and keratoderma. Identifiers: Orphanet 65282, MedGen C1854063, MONDO:0011581, OMIM 605676.
Cardiovascular phenotype. Identifiers: MedGen CN230736.

Submissions (2):

Ambry Genetics
Classification: Uncertain significance for Cardiovascular phenotype. Last evaluated: 2024-08-19. Review status: criteria provided, single submitter. Criteria: Ambry Variant Classification Scheme 2023. Collection method: clinical testing. Allele origin: germline.
Comment: The p.K239R variant (also known as c.716A>G), located in coding exon 5 of the DSP gene, results from an A to G substitution at nucleotide position 716. The lysine at codon 239 is replaced by arginine, an amino acid with highly similar properties. This amino acid position is conserved. In addition, the in silico prediction for this alteration is inconclusive. Based on the available evidence, the clinical significance of this variant remains unclear.

Labcorp Genetics (formerly Invitae), Labcorp
Classification: Uncertain significance for Arrhythmogenic cardiomyopathy with wooly hair and keratoderma; Arrhythmogenic right ventricular dysplasia 8. Last evaluated: 2022-02-22. Review status: criteria provided, single submitter. Criteria: Invitae Variant Classification Sherloc (09022015). Collection method: clinical testing. Allele origin: germline.
Comment: This variant is not present in population databases (gnomAD no frequency). This variant has not been reported in the literature in individuals affected with DSP-related conditions. Algorithms developed to predict the effect of missense changes on protein structure and function are either unavailable or do not agree on the potential impact of this missense change (SIFT: "Tolerated"; PolyPhen-2: "Probably Damaging"; Align-GVGD: "Class C0"). In summary, the available evidence is currently insufficient to determine the role of this variant in disease. Therefore, it has been classified as a Variant of Uncertain Significance. This sequence change replaces lysine, which is basic and polar, with arginine, which is basic and polar, at codon 239 of the DSP protein (p.Lys239Arg).